The following is an entry in ClinVar:

NM_007194.4(CHEK2):c.792+2T>A

Gene: CHEK2 (checkpoint kinase 2; minus strand). Cytogenetic location: 22q12.1.
Variant type: single nucleotide variant.
Coding change: c.792+2T>A on transcript NM_007194.4 (MANE Select); the canonical splice donor site of the intron after coding-DNA position 792, T replaced by A.
Molecular consequence: splice donor variant.
Genome position (GRCh38, 1-based): chr22:28,711,907, A>T on the plus strand (T>A on the coding strand, the complement: CHEK2 is on the minus strand). VCF-style: chr22-28711907-A-T. GRCh37 (hg19) VCF-style: chr22-29107895-A-T.
Other names: c.129+2T>A (NM_001437942.1, NM_001257387.3); c.591+2T>A (NM_001349956.3); c.792+2T>A (NM_145862.3); c.885+2T>A (NM_001438295.1, NM_001438293.1); c.921+2T>A (NM_001438294.1, NM_001005735.3).
Identifiers: ClinVar variation 944881 (VCV000944881.12), dbSNP rs545982789, ClinGen allele CA411103023.

ClinVar aggregate classification (germline): Likely pathogenic. Review status: criteria provided, multiple submitters, no conflicts (2 of 4 stars). 3 submissions from 3 submitters: Likely pathogenic (2). 1 of the submissions does not count toward it. Last evaluated 2025-12-29.

Conditions:
Ovarian carcinoma. Identifiers: MedGen C4721610, MONDO:0005140, HP:0025318.
Familial cancer of breast. Also called: hereditary breast carcinoma; BREAST CANCER, FAMILIAL; Hereditary breast cancer. Identifiers: Orphanet 227535, MedGen C0346153, MONDO:0016419, OMIM 114480. Disease mechanism: loss of function.

Submissions (3):

Center for Genomic Medicine, Rigshospitalet, Copenhagen University Hospital
Classification: Likely pathogenic. Last evaluated: 2025-12-29. Review status: criteria provided, single submitter. Criteria: ACMG Guidelines, 2015. Collection method: clinical testing. Allele origin: germline.

Labcorp Genetics (formerly Invitae), Labcorp
Classification: Likely pathogenic for Familial cancer of breast. Last evaluated: 2025-06-09. Review status: criteria provided, single submitter. Criteria: Invitae Variant Classification Sherloc (09022015). Collection method: clinical testing. Allele origin: germline.
Comment: This sequence change affects a donor splice site in intron 6 of the CHEK2 gene. It is expected to disrupt RNA splicing. Variants that disrupt the donor or acceptor splice site typically lead to a loss of protein function (PMID: 16199547), and loss-of-function variants in CHEK2 are known to be pathogenic (PMID: 21876083, 24713400). This variant is not present in population databases (gnomAD no frequency). This variant has not been reported in the literature in individuals affected with CHEK2-related conditions. ClinVar contains an entry for this variant (Variation ID: 944881). Algorithms developed to predict the effect of sequence changes on RNA splicing suggest that this variant may disrupt the consensus splice site. In summary, the currently available evidence indicates that the variant is pathogenic, but additional data are needed to prove that conclusively. Therefore, this variant has been classified as Likely Pathogenic.

Medical Genetics Laboratory, Umraniye Training and Research Hospital, University of Health Sciences
Classification: Pathogenic for Ovarian carcinoma. Last evaluated: 2021-09-11. Review status: no assertion criteria provided. Collection method: clinical testing. Allele origin: germline. Inheritance: Autosomal dominant inheritance. Affected: yes. Observed: 1 heterozygote. Not counted in ClinVar's aggregate classification.

Literature cited by the submitters: PubMed 16199547 (cited by Labcorp Genetics (formerly Invitae), Labcorp); PubMed 21876083 (cited by Labcorp Genetics (formerly Invitae), Labcorp); PubMed 24713400 (cited by Labcorp Genetics (formerly Invitae), Labcorp).